The following is an entry in ClinVar:

ClinVar aggregate classification (germline): Uncertain significance. Review status: criteria provided, multiple submitters, no conflicts (2 of 4 stars). 2 submissions from 2 submitters: Uncertain significance (2). Last evaluated 2024-10-31.

Conditions:
Developmental and epileptic encephalopathy, 32 (DEE32). Also called: Epileptic encephalopathy, early infantile, 32. Identifiers: Orphanet 442835, MedGen C4225350, MONDO:0014607, OMIM 616366.
Inborn genetic diseases. Identifiers: MedGen C0950123, MeSH D030342.

Allele frequency attached by ClinVar (database versions not stated): gnomAD exomes 0.00001; TOPMed 0.00001; gnomAD 0.00001.
gnomAD v4.1: 18 of 1,613,948 alleles (0.0011%); highest among the groups gnomAD compares: Non-Finnish European, 0.0014%; no homozygotes.

Submissions (2):

Labcorp Genetics (formerly Invitae), Labcorp
Classification: Uncertain significance for Developmental and epileptic encephalopathy, 32. Last evaluated: 2024-10-31. Review status: criteria provided, single submitter. Criteria: Invitae Variant Classification Sherloc (09022015). Collection method: clinical testing. Allele origin: germline.
Comment: This sequence change replaces isoleucine, which is neutral and non-polar, with threonine, which is neutral and polar, at codon 385 of the KCNA2 protein (p.Ile385Thr). This variant is present in population databases (no rsID available, gnomAD 0.004%). This variant has not been reported in the literature in individuals affected with KCNA2-related conditions. ClinVar contains an entry for this variant (Variation ID: 542662). Invitae Evidence Modeling of protein sequence and biophysical properties (such as structural, functional, and spatial information, amino acid conservation, physicochemical variation, residue mobility, and thermodynamic stability) indicates that this missense variant is not expected to disrupt KCNA2 protein function with a negative predictive value of 95%. In summary, the available evidence is currently insufficient to determine the role of this variant in disease. Therefore, it has been classified as a Variant of Uncertain Significance.

Ambry Genetics
Classification: Uncertain significance for Inborn genetic diseases. Last evaluated: 2019-08-04. Review status: criteria provided, single submitter. Criteria: Ambry Variant Classification Scheme 2023. Collection method: clinical testing. Allele origin: germline.
Comment: The p.I385T variant (also known as c.1154T>C), located in coding exon 1 of the KCNA2 gene, results from a T to C substitution at nucleotide position 1154. The isoleucine at codon 385 is replaced by threonine, an amino acid with similar properties. This amino acid position is highly conserved in available vertebrate species. In addition, this alteration is predicted to be deleterious by in silico analysis. Since supporting evidence is limited at this time, the clinical significance of this alteration remains unclear.

NM_004974.4(KCNA2):c.1154T>C (p.Ile385Thr)

Gene: KCNA2 (potassium voltage-gated channel subfamily A member 2; minus strand). Cytogenetic location: 1p13.3.
Variant type: single nucleotide variant.
Coding change: c.1154T>C on transcript NM_004974.4 (MANE Select); coding-DNA position 1154, T replaced by C.
Protein change: p.Ile385Thr; replaces isoleucine 385 with threonine.
Molecular consequence: missense variant. On other transcripts: intron variant (1).
Genome position (GRCh38, 1-based): chr1:110,603,629, A>G on the plus strand (T>C on the coding strand, the complement: KCNA2 is on the minus strand). VCF-style: chr1-110603629-A-G. GRCh37 (hg19) VCF-style: chr1-111146251-A-G.
Other names: c.894+260T>C (NM_001204269.2); short protein forms I385T.
Identifiers: ClinVar variation 542662 (VCV000542662.11), dbSNP rs1197586006, ClinGen allele CA341601590.